The following is an entry in ClinVar:

NM_000059.4(BRCA2):c.523C>T (p.Gln175Ter)

Gene: BRCA2 (BRCA2 DNA repair associated; plus strand). Cytogenetic location: 13q13.1.
Variant type: single nucleotide variant.
Coding change: c.523C>T on transcript NM_000059.4 (MANE Select); coding-DNA position 523, C replaced by T.
Protein change: p.Gln175Ter; replaces glutamine 175 with a stop codon.
Molecular consequence: nonsense.
Genome position (GRCh38, 1-based): chr13:32,326,505, C>T. VCF-style: chr13-32326505-C-T. GRCh37 (hg19) VCF-style: chr13-32900642-C-T.
Other names: short protein forms Q175*.
Identifiers: ClinVar variation 254477 (VCV000254477.17), dbSNP rs750385844, ClinGen allele CA6940396.

ClinVar aggregate classification (germline): Pathogenic. Review status: reviewed by expert panel (3 of 4 stars). 4 submissions from 4 submitters: Pathogenic (1). 3 of the submissions do not count toward it. Last evaluated 2016-09-08.

Conditions:
Hereditary cancer-predisposing syndrome. Also called: Tumor predisposition; Hereditary neoplastic syndrome; Hereditary Cancer Syndrome; Neoplastic Syndromes, Hereditary. Identifiers: Orphanet 140162, MedGen C0027672, MeSH D009386, MONDO:0015356.
Hereditary breast ovarian cancer syndrome. Also called: Hereditary breast and/or ovarian cancer syndrome; Breast and ovarian cancer; Hereditary breast and ovarian cancer; Hereditary breast and ovarian cancer syndrome; Hereditary breast and ovarian cancer syndrome (HBOC); BRCA1- and BRCA2-Associated Hereditary Breast and Ovarian Cancer. Identifiers: Orphanet 145, MedGen C0677776, MeSH D061325, MONDO:0003582. Disease mechanism: loss of function.
Breast-ovarian cancer, familial, susceptibility to, 2 (BROVCA2). Also called: BRCA2 Hereditary Breast and Ovarian Cancer. Identifiers: Orphanet 145, MedGen C2675520, MONDO:0012933, OMIM 612555. Disease mechanism: loss of function.

Allele frequency attached by ClinVar (database versions not stated): ExAC 0.00001.

Submissions (4):

Evidence-based Network for the Interpretation of Germline Mutant Alleles (ENIGMA)
Classification: Pathogenic for Breast-ovarian cancer, familial, susceptibility to, 2. Last evaluated: 2016-09-08. Review status: reviewed by expert panel. Criteria: ENIGMA BRCA1/2 Classification Criteria (2015). Collection method: curation. Allele origin: germline.
Comment: Variant allele predicted to encode a truncated non-functional protein.

GeneDx
Classification: Pathogenic. Last evaluated: 2026-02-19. Review status: criteria provided, single submitter. Criteria: GeneDx Variant Classification Process June 2021. Collection method: clinical testing. Allele origin: germline. Not counted in ClinVar's aggregate classification.
Comment: Nonsense variant predicted to result in protein truncation or nonsense mediated decay in a gene for which loss of function is a known mechanism of disease; Truncating variants in this gene are considered pathogenic by a well-established clinical consortium and/or database; Not observed at significant frequency in large population cohorts (gnomAD); Observed in individuals with breast or ovarian cancer (PMID: 29470806, 33461583); Also known as 751C>T; This variant is associated with the following publications: (PMID: 31825140, 20104584, 31209999, 29922827, 33754277, 29470806, 33461583)

Labcorp Genetics (formerly Invitae), Labcorp
Classification: Pathogenic for Hereditary breast ovarian cancer syndrome. Last evaluated: 2024-07-14. Review status: criteria provided, single submitter. Criteria: Invitae Variant Classification Sherloc (09022015). Collection method: clinical testing. Allele origin: germline. Not counted in ClinVar's aggregate classification.
Comment: This sequence change creates a premature translational stop signal (p.Gln175*) in the BRCA2 gene. It is expected to result in an absent or disrupted protein product. Loss-of-function variants in BRCA2 are known to be pathogenic (PMID: 20104584). This variant is not present in population databases (gnomAD no frequency). This premature translational stop signal has been observed in individual(s) with a personal and/or family history of breast and/or ovarian cancer (PMID: 29470806). ClinVar contains an entry for this variant (Variation ID: 254477). Algorithms developed to predict the effect of sequence changes on RNA splicing suggest that this variant may disrupt the consensus splice site. For these reasons, this variant has been classified as Pathogenic.

Ambry Genetics
Classification: Pathogenic for Hereditary cancer-predisposing syndrome. Last evaluated: 2023-12-15. Review status: criteria provided, single submitter. Criteria: Ambry Variant Classification Scheme 2023. Collection method: clinical testing. Allele origin: germline. Not counted in ClinVar's aggregate classification.
Comment: The p.Q175* pathogenic mutation (also known as c.523C>T), located in coding exon 6 of the BRCA2 gene, results from a C to T substitution at nucleotide position 523. This changes the amino acid from a glutamine to a stop codon within coding exon 6. In addition to the clinical data presented in the literature, this alteration is expected to result in loss of function by premature protein truncation or nonsense-mediated mRNA decay. As such, this alteration is interpreted as a disease-causing mutation.

Literature cited by the submitters: PubMed 20104584 (cited by Labcorp Genetics (formerly Invitae), Labcorp); PubMed 29470806 (cited by Labcorp Genetics (formerly Invitae), Labcorp and Ambry Genetics).